The following is an entry in ClinVar:

ClinVar aggregate classification (germline): Uncertain significance (1 of 4 stars; one submission).

Allele frequency attached by ClinVar (database versions not stated): ExAC 0.00001.
gnomAD v4.1: 7 of 1,612,840 alleles (0.00043%); highest among the groups gnomAD compares: Admixed American, 0.012%; no homozygotes.

Submission:

Labcorp Genetics (formerly Invitae), Labcorp
Classification: Uncertain significance. Last evaluated: 2025-07-14. Review status: criteria provided, single submitter. Criteria: Invitae Variant Classification Sherloc (09022015). Collection method: clinical testing. Allele origin: germline.
Comment: This sequence change replaces lysine, which is basic and polar, with asparagine, which is neutral and polar, at codon 187 of the TONSL protein (p.Lys187Asn). This variant is present in population databases (rs753489114, gnomAD 0.02%). This variant has not been reported in the literature in individuals affected with TONSL-related conditions. ClinVar contains an entry for this variant (Variation ID: 1950531). Invitae Evidence Modeling of protein sequence and biophysical properties (such as structural, functional, and spatial information, amino acid conservation, physicochemical variation, residue mobility, and thermodynamic stability) indicates that this missense variant is expected to disrupt TONSL protein function with a positive predictive value of 80%. In summary, the available evidence is currently insufficient to determine the role of this variant in disease. Therefore, it has been classified as a Variant of Uncertain Significance.

NM_013432.5(TONSL):c.561G>C (p.Lys187Asn)

Gene: TONSL (tonsoku like, DNA repair protein; minus strand). Cytogenetic location: 8q24.3.
Variant type: single nucleotide variant.
Coding change: c.561G>C on transcript NM_013432.5 (MANE Select); coding-DNA position 561, G replaced by C.
Protein change: p.Lys187Asn; replaces lysine 187 with asparagine.
Molecular consequence: missense variant.
Genome position (GRCh38, 1-based): chr8:144,442,694, C>G on the plus strand (G>C on the coding strand, the complement: TONSL is on the minus strand). VCF-style: chr8-144442694-C-G. GRCh37 (hg19) VCF-style: chr8-145668077-C-G.
Other names: short protein forms K187N.
Identifiers: ClinVar variation 1950531 (VCV001950531.4), dbSNP rs753489114, ClinGen allele CA4943621.